The following is an entry in ClinVar:

ClinVar aggregate classification (germline): Uncertain significance (0 of 4 stars; one submission).

Conditions:
ZMIZ1-related disorder. Also called: ZMIZ1-related condition.

Submission:

PreventionGenetics, part of Exact Sciences
Classification: Uncertain significance for ZMIZ1-related condition. Last evaluated: 2024-09-17. Review status: no assertion criteria provided. Collection method: clinical testing. Allele origin: germline.
Comment: The ZMIZ1 c.2522C>T variant is predicted to result in the amino acid substitution p.Pro841Leu. To our knowledge, this variant has not been reported in the literature or in a large population database, indicating this variant is rare. At this time, the clinical significance of this variant is uncertain due to the absence of conclusive functional and genetic evidence.

NM_020338.4(ZMIZ1):c.2522C>T (p.Pro841Leu)

Gene: ZMIZ1 (zinc finger MIZ-type containing 1; plus strand). Cytogenetic location: 10q22.3.
Variant type: single nucleotide variant.
Coding change: c.2522C>T on transcript NM_020338.4 (MANE Select); coding-DNA position 2522, C replaced by T.
Protein change: p.Pro841Leu; replaces proline 841 with leucine.
Molecular consequence: missense variant.
Genome position (GRCh38, 1-based): chr10:79,306,198, C>T. VCF-style: chr10-79306198-C-T. GRCh37 (hg19) VCF-style: chr10-81065955-C-T.
Other names: short protein forms P841L.
Identifiers: ClinVar variation 3345447 (VCV003345447.1).
Genomic context (GRCh38, chr10:79,306,198, plus strand): 5'-GCTGGCGGCCGGTGCCCATCAAGTCGGACTTACACATCAAGGACGACCCTGATGGCATCC[C>T]CTCCAAGCGGTTCAAGACCATGAGTCCCAGCCAGATGATCATGCCCAATGTCATGGAGAT-3'
Protein context (NP_065071.1, residues 831-851): LHIKDDPDGI[Pro841Leu]SKRFKTMSPS